The following is an entry in ClinVar:

NM_001291303.3(FAT4):c.8993T>C (p.Val2998Ala)

Gene: FAT4 (FAT atypical cadherin 4; plus strand). Cytogenetic location: 4q28.1.
Variant type: single nucleotide variant.
Coding change: c.8993T>C on transcript NM_001291303.3 (MANE Select); coding-DNA position 8993, T replaced by C.
Protein change: p.Val2998Ala; replaces valine 2998 with alanine.
Molecular consequence: missense variant.
Genome position (GRCh38, 1-based): chr4:125,450,003, T>C. VCF-style: chr4-125450003-T-C. GRCh37 (hg19) VCF-style: chr4-126371158-T-C.
Other names: c.8993T>C, p.Val2998Ala (NM_001291285.3); c.8987T>C, p.Val2996Ala (NM_024582.6); short protein forms V2996A, V2998A.
Identifiers: ClinVar variation 2117241 (VCV002117241.4), dbSNP rs2530900411, ClinGen allele CA358148787.

ClinVar aggregate classification (germline): Uncertain significance (1 of 4 stars; one submission).

Submission:

Labcorp Genetics (formerly Invitae), Labcorp
Classification: Uncertain significance. Last evaluated: 2024-10-26. Review status: criteria provided, single submitter. Criteria: Invitae Variant Classification Sherloc (09022015). Collection method: clinical testing. Allele origin: germline.
Comment: This sequence change replaces valine, which is neutral and non-polar, with alanine, which is neutral and non-polar, at codon 2996 of the FAT4 protein (p.Val2996Ala). This variant is not present in population databases (gnomAD no frequency). This variant has not been reported in the literature in individuals affected with FAT4-related conditions. ClinVar contains an entry for this variant (Variation ID: 2117241). Invitae Evidence Modeling of protein sequence and biophysical properties (such as structural, functional, and spatial information, amino acid conservation, physicochemical variation, residue mobility, and thermodynamic stability) indicates that this missense variant is not expected to disrupt FAT4 protein function with a negative predictive value of 80%. In summary, the available evidence is currently insufficient to determine the role of this variant in disease. Therefore, it has been classified as a Variant of Uncertain Significance.